The following is an entry in ClinVar:

ClinVar aggregate classification (germline): Benign. Review status: criteria provided, multiple submitters, no conflicts (2 of 4 stars). 3 submissions from 3 submitters: Benign (3). Last evaluated 2025-06-01.

Allele frequency attached by ClinVar (database versions not stated): gnomAD exomes 0.00288; ESP Exome Variant Server 0.00391; ExAC 0.00523; gnomAD 0.00539 and 0.00550; TOPMed 0.00586; 1000 Genomes Project 30x 0.00765; 1000 Genomes Project 0.00799.
gnomAD v4.1: 2,972 of 1,545,302 alleles (0.19%); highest among the groups gnomAD compares: African/African-American, 1.4%; 20 homozygotes.

Submissions (3):

CeGaT Center for Human Genetics Tuebingen
Classification: Benign. Last evaluated: 2025-06-01. Review status: criteria provided, single submitter. Criteria: CeGaT Center For Human Genetics Tuebingen Variant Classification Criteria Version 2. Collection method: clinical testing. Allele origin: germline. Affected: yes. Observed: 1 variant allele.
Comment: ENSG00000290199: BS1, BS2; MIF-AS1: BS1, BS2

Labcorp Genetics (formerly Invitae), Labcorp
Classification: Benign. Last evaluated: 2018-08-08. Review status: criteria provided, single submitter. Criteria: Invitae Variant Classification Sherloc (09022015). Collection method: clinical testing. Allele origin: germline.

Breakthrough Genomics
Classification: Benign. Review status: criteria provided, single submitter. Criteria: ACMG Guidelines, 2015. Collection method: not provided. Allele origin: germline. Inheritance: Unknown mechanism. Affected: yes.

NM_002415.2(MIF):c.282-9C>T

Genes: MIF (macrophage migration inhibitory factor; plus strand), MIF-AS1 (MIF antisense RNA 1; minus strand). Cytogenetic location: 22q11.23.
Variant type: single nucleotide variant.
Coding change: c.282-9C>T on transcript NM_002415.2 (MANE Select); 9 bases into the intron before coding-DNA position 282, C replaced by T.
Molecular consequence: intron variant. On other transcripts: non-coding transcript variant (1).
Genome position (GRCh38, 1-based): chr22:23,895,031, C>T. VCF-style: chr22-23895031-C-T. GRCh37 (hg19) VCF-style: chr22-24237218-C-T.
Identifiers: ClinVar variation 781909 (VCV000781909.12), dbSNP rs189811391, ClinGen allele CA10147430.